The following is an entry in ClinVar:

NM_012064.4(MIP):c.378C>T (p.Ser126=)

Gene: MIP (major intrinsic protein of lens fiber; minus strand). Cytogenetic location: 12q13.3.
Variant type: single nucleotide variant.
Coding change: c.378C>T on transcript NM_012064.4 (MANE Select); coding-DNA position 378, C replaced by T.
Protein change: p.Ser126=; no amino-acid change (serine 126 retained).
Molecular consequence: synonymous variant.
Genome position (GRCh38, 1-based): chr12:56,453,738, G>A on the plus strand (C>T on the coding strand, the complement: MIP is on the minus strand). VCF-style: chr12-56453738-G-A. GRCh37 (hg19) VCF-style: chr12-56847522-G-A.
Identifiers: ClinVar variation 309885 (VCV000309885.8), dbSNP rs35033450, ClinGen allele CA6632585.

ClinVar aggregate classification (germline): Benign/Likely benign. Review status: criteria provided, multiple submitters, no conflicts (2 of 4 stars). 2 submissions from 2 submitters: Benign (1); Likely benign (1). Last evaluated 2023-01-22.

Conditions:
Cataract 15 multiple types. Also called: CATARACT 15, LAMELLAR WITH SUTURAL OPACITIES. Identifiers: Orphanet 91492, MedGen C3809001, MONDO:0014110, OMIM 615274.

Allele frequency attached by ClinVar (database versions not stated): ESP Exome Variant Server 0.00008; gnomAD 0.00013 and 0.00018; TOPMed 0.00015; ExAC 0.00022; gnomAD exomes 0.00026 and 0.00028; 1000 Genomes Project 30x 0.00031; 1000 Genomes Project 0.00040.
gnomAD v4.1: 410 of 1,613,746 alleles (0.025%); highest among the groups gnomAD compares: East Asian, 0.64%; 3 homozygotes.

Submissions (2):

Labcorp Genetics (formerly Invitae), Labcorp
Classification: Benign for Cataract 15 multiple types. Last evaluated: 2023-01-22. Review status: criteria provided, single submitter. Criteria: Invitae Variant Classification Sherloc (09022015). Collection method: clinical testing. Allele origin: germline.

Illumina Laboratory Services, Illumina
Classification: Likely benign for Cataract 15 multiple types. Last evaluated: 2017-04-27. Review status: criteria provided, single submitter. Criteria: ICSL Variant Classification Criteria 13 December 2019. Collection method: clinical testing. Allele origin: germline.
Comment: This variant was observed as part of a predisposition screen in an ostensibly healthy population. A literature search was performed for the gene, cDNA change, and amino acid change (where applicable). Publications were found based on this search. The evidence from the literature, in combination with allele frequency data from public databases where available, was sufficient to determine this variant is unlikely to cause disease. Therefore, this variant is classified as likely benign.

Literature cited by the submitters: PubMed 21921980 (cited by Illumina Laboratory Services, Illumina).